The following is an entry in ClinVar:

ClinVar aggregate classification (germline): Uncertain significance (1 of 4 stars; one submission).

gnomAD v4.1: 5 of 1,613,678 alleles (0.00031%); highest among the groups gnomAD compares: Admixed American, 0.0017%; no homozygotes.

Submission:

Labcorp Genetics (formerly Invitae), Labcorp
Classification: Uncertain significance. Last evaluated: 2022-10-31. Review status: criteria provided, single submitter. Criteria: Invitae Variant Classification Sherloc (09022015). Collection method: clinical testing. Allele origin: germline.
Comment: In summary, the available evidence is currently insufficient to determine the role of this variant in disease. Therefore, it has been classified as a Variant of Uncertain Significance. Advanced modeling of protein sequence and biophysical properties (such as structural, functional, and spatial information, amino acid conservation, physicochemical variation, residue mobility, and thermodynamic stability) has been performed at Invitae for this missense variant, however the output from this modeling did not meet the statistical confidence thresholds required to predict the impact of this variant on CDH23 protein function. This missense change has been observed in individual(s) with deafness (PMID: 34062854). This variant is present in population databases (no rsID available, gnomAD no frequency). This sequence change replaces glycine, which is neutral and non-polar, with valine, which is neutral and non-polar, at codon 490 of the CDH23 protein (p.Gly490Val).

Literature cited by the submitters: PubMed 34062854.

NM_022124.6(CDH23):c.1469G>T (p.Gly490Val)

Gene: CDH23 (cadherin related 23; plus strand). Cytogenetic location: 10q22.1.
Variant type: single nucleotide variant.
Coding change: c.1469G>T on transcript NM_022124.6 (MANE Select); coding-DNA position 1469, G replaced by T.
Protein change: p.Gly490Val; replaces glycine 490 with valine.
Molecular consequence: missense variant.
Genome position (GRCh38, 1-based): chr10:71,675,131, G>T. VCF-style: chr10-71675131-G-T. GRCh37 (hg19) VCF-style: chr10-73434888-G-T.
Other names: c.1469G>T, p.Gly490Val (NM_001171930.2, NM_001171931.2); short protein forms G490V.
Identifiers: ClinVar variation 2875955 (VCV002875955.3), dbSNP rs1227049, ClinGen allele CA377129737.
Genomic context (GRCh38, chr10:71,675,131, plus strand): 5'-CTGGGCCTGGCAGTAATGACTTCTTGTTCTCGCTGTTGCAGGCAACTGACAATGATGCAG[G>T]CACCTTTGGGGAAGTCAGCTACTTCTTCAGTGATGACCCTGACAGGTGAGACTCTGCCCA-3'
Protein context (NP_071407.4, residues 480-500): LTVLATDNDA[Gly490Val]TFGEVSYFFS